The following is an entry in ClinVar:

ClinVar aggregate classification (germline): Uncertain significance. Review status: criteria provided, multiple submitters, no conflicts (2 of 4 stars). 2 submissions from 2 submitters: Uncertain significance (2). Last evaluated 2025-06-23.

Conditions:
Inborn genetic diseases. Identifiers: MedGen C0950123, MeSH D030342.
Propionic acidemia (PROP). Also called: GLYCINEMIA, KETOTIC; HYPERGLYCINEMIA WITH KETOACIDOSIS AND LEUKOPENIA; KETOTIC HYPERGLYCINEMIA. Identifiers: Orphanet 35, MedGen C0268579, MONDO:0011628, OMIM 606054, HP:0003571.

Allele frequency attached by ClinVar (database versions not stated): TOPMed 0.00002.
gnomAD v4.1: 7 of 1,502,014 alleles (0.00047%); highest among the groups gnomAD compares: African/African-American, 0.0086%; no homozygotes.

Submissions (2):

Labcorp Genetics (formerly Invitae), Labcorp
Classification: Uncertain significance for Propionic acidemia. Last evaluated: 2025-06-23. Review status: criteria provided, single submitter. Criteria: Invitae Variant Classification Sherloc (09022015). Collection method: clinical testing. Allele origin: germline.
Comment: This sequence change replaces alanine, which is neutral and non-polar, with proline, which is neutral and non-polar, at codon 2 of the PCCA protein (p.Ala2Pro). This variant is present in population databases (rs760710987, gnomAD 0.007%). This variant has not been reported in the literature in individuals affected with PCCA-related conditions. ClinVar contains an entry for this variant (Variation ID: 2184254). Invitae Evidence Modeling of protein sequence and biophysical properties (such as structural, functional, and spatial information, amino acid conservation, physicochemical variation, residue mobility, and thermodynamic stability) has been performed for this missense variant. However, the output from this modeling did not meet the statistical confidence thresholds required to predict the impact of this variant on PCCA protein function. In summary, the available evidence is currently insufficient to determine the role of this variant in disease. Therefore, it has been classified as a Variant of Uncertain Significance.

Ambry Genetics
Classification: Uncertain significance for Inborn genetic diseases. Last evaluated: 2022-01-10. Review status: criteria provided, single submitter. Criteria: Ambry Variant Classification Scheme 2023. Collection method: clinical testing. Allele origin: germline.

NM_000282.4(PCCA):c.4G>C (p.Ala2Pro)

Gene: PCCA (propionyl-CoA carboxylase subunit alpha; plus strand). Cytogenetic location: 13q32.3.
Variant type: single nucleotide variant.
Coding change: c.4G>C on transcript NM_000282.4 (MANE Select); coding-DNA position 4, G replaced by C.
Protein change: p.Ala2Pro; replaces alanine 2 with proline.
Molecular consequence: missense variant. On other transcripts: 5 prime UTR variant (3), non-coding transcript variant (5).
Genome position (GRCh38, 1-based): chr13:100,089,124, G>C. VCF-style: chr13-100089124-G-C. GRCh37 (hg19) VCF-style: chr13-100741378-G-C.
Other names: c.4G>C (NM_000282.3); c.4G>C, p.Ala2Pro (NM_001127692.3, NM_001178004.2, NM_001352605.2 and 4 more transcripts); c.-863G>C (NM_001352610.2, NM_001352611.2, NM_001352612.2); short protein forms A2P.
Identifiers: ClinVar variation 2184254 (VCV002184254.4), dbSNP rs760710987, ClinGen allele CA7033056.